The following is an entry in ClinVar:

NM_001378120.1(MBD5):c.3997A>G (p.Met1333Val)

Gene: MBD5 (methyl-CpG binding domain protein 5; plus strand). Cytogenetic location: 2q23.1.
Variant type: single nucleotide variant.
Coding change: c.3997A>G on transcript NM_001378120.1 (MANE Select); coding-DNA position 3997, A replaced by G.
Protein change: p.Met1333Val; replaces methionine 1333 with valine.
Molecular consequence: missense variant.
Genome position (GRCh38, 1-based): chr2:148,489,629, A>G. VCF-style: chr2-148489629-A-G. GRCh37 (hg19) VCF-style: chr2-149247198-A-G.
Other names: c.3298A>G, p.Met1100Val (NM_018328.5); short protein forms M1100V, M1333V.
Identifiers: ClinVar variation 3343595 (VCV003343595.1).

ClinVar aggregate classification (germline): Uncertain significance (1 of 4 stars; one submission).

Submission:

GeneDx
Classification: Uncertain significance. Last evaluated: 2023-11-28. Review status: criteria provided, single submitter. Criteria: GeneDx Variant Classification Process June 2021. Collection method: clinical testing. Allele origin: germline. Affected: yes.
Comment: Not observed at significant frequency in large population cohorts (gnomAD); In silico analysis supports that this missense variant does not alter protein structure/function; Has not been previously published as pathogenic or benign to our knowledge